The following is an entry in ClinVar:

NM_018706.7(DHTKD1):c.992A>G (p.His331Arg)

Gene: DHTKD1 (dehydrogenase E1 and transketolase domain containing 1; plus strand). Cytogenetic location: 10p14.
Variant type: single nucleotide variant.
Coding change: c.992A>G on transcript NM_018706.7 (MANE Select); coding-DNA position 992, A replaced by G.
Protein change: p.His331Arg; replaces histidine 331 with arginine.
Molecular consequence: missense variant.
Genome position (GRCh38, 1-based): chr10:12,091,517, A>G. VCF-style: chr10-12091517-A-G. GRCh37 (hg19) VCF-style: chr10-12133516-A-G.
Other names: short protein forms H331R.
Identifiers: ClinVar variation 1981377 (VCV001981377.5), dbSNP rs1186786111, ClinGen allele CA376019143.
Genomic context (GRCh38, chr10:12,091,517, plus strand): 5'-TCTTAATCCCTTATGTTTCTTTTCTCCCCACCCGCTCCCCTTGCCTCATGATTTAGGTCC[A>G]TGGTGATGCTTCTTTCTGTGGTCAAGGGATTGTTCCTGAAACATTCACGCTGTCCAATCT-3'
Protein context (NP_061176.4, residues 321-341): PGDRVICLQV[His331Arg]GDASFCGQGI

ClinVar aggregate classification (germline): Uncertain significance. Review status: criteria provided, multiple submitters, no conflicts (2 of 4 stars). 2 submissions from 2 submitters: Uncertain significance (2). Last evaluated 2023-09-19.

Conditions:
2-aminoadipic 2-oxoadipic aciduria (AAKAD). Also called: ALPHA-AMINOADIPIC AND ALPHA-KETOADIPIC ACIDURIA; Aminoadipic aciduria. Identifiers: Orphanet 79154, MedGen C1859817, MONDO:0008774, OMIM 204750.

Allele frequency attached by ClinVar (database versions not stated): TOPMed below 0.00001; gnomAD 0.00001.
gnomAD v4.1: 8 of 1,595,482 alleles (0.0005%); highest among the groups gnomAD compares: Non-Finnish European, 0.00068%; no homozygotes.

Submissions (2):

Blueprint Genetics
Classification: Uncertain significance. Last evaluated: 2023-09-19. Review status: criteria provided, single submitter. Criteria: ACMG Guidelines, 2015. Collection method: clinical testing. Allele origin: germline.

Labcorp Genetics (formerly Invitae), Labcorp
Classification: Uncertain significance for 2-aminoadipic 2-oxoadipic aciduria. Last evaluated: 2021-12-17. Review status: criteria provided, single submitter. Criteria: Invitae Variant Classification Sherloc (09022015). Collection method: clinical testing. Allele origin: germline.
Comment: In summary, the available evidence is currently insufficient to determine the role of this variant in disease. Therefore, it has been classified as a Variant of Uncertain Significance. Algorithms developed to predict the effect of missense changes on protein structure and function (SIFT, PolyPhen-2, Align-GVGD) all suggest that this variant is likely to be disruptive. This variant has not been reported in the literature in individuals affected with DHTKD1-related conditions. This variant is present in population databases (no rsID available, gnomAD 0.0009%). This sequence change replaces histidine, which is basic and polar, with arginine, which is basic and polar, at codon 331 of the DHTKD1 protein (p.His331Arg).